The following is an entry in ClinVar:

ClinVar aggregate classification (germline): Likely benign (0 of 4 stars; one submission).

Conditions:
SUCLA2-related disorder. Also called: SUCLA2-related condition.

Submission:

PreventionGenetics, part of Exact Sciences
Classification: Likely benign for SUCLA2-related condition. Last evaluated: 2020-04-20. Review status: no assertion criteria provided. Collection method: clinical testing. Allele origin: germline.
Comment: This variant is classified as likely benign based on ACMG/AMP sequence variant interpretation guidelines (Richards et al. 2015 PMID: 25741868, with internal and published modifications).

NM_003850.3(SUCLA2):c.1017A>C (p.Gly339=)

Gene: SUCLA2 (succinate-CoA ligase ADP-forming subunit beta; minus strand). Cytogenetic location: 13q14.2.
Variant type: single nucleotide variant.
Coding change: c.1017A>C on transcript NM_003850.3 (MANE Select); coding-DNA position 1017, A replaced by C.
Protein change: p.Gly339=; no amino-acid change (glycine 339 retained).
Molecular consequence: synonymous variant.
Genome position (GRCh38, 1-based): chr13:47,954,230, T>G on the plus strand (A>C on the coding strand, the complement: SUCLA2 is on the minus strand). VCF-style: chr13-47954230-T-G. GRCh37 (hg19) VCF-style: chr13-48528365-T-G.
Identifiers: ClinVar variation 3051312 (VCV003051312.2), dbSNP rs1337907073, ClinGen allele CA483739603.